The following is an entry in ClinVar:

ClinVar aggregate classification (germline): Benign (1 of 4 stars; one submission).

Conditions:
Retinitis pigmentosa (RP). Identifiers: Orphanet 791, MedGen C0035334, MeSH D012174, MONDO:0019200, OMIM 268000. Inheritance: Autosomal dominant, autosomal recessive and X linked inheritance.

Allele frequency attached by ClinVar (database versions not stated): gnomAD 0.00731 and 0.00906; TOPMed 0.01007; gnomAD exomes 0.01311; ExAC 0.01334; 1000 Genomes Project 30x 0.03373; 1000 Genomes Project 0.03594.

Submission:

Illumina Laboratory Services, Illumina
Classification: Benign for Retinitis pigmentosa. Last evaluated: 2018-01-13. Review status: criteria provided, single submitter. Criteria: ICSL Variant Classification Criteria 13 December 2019. Collection method: clinical testing. Allele origin: germline.
Comment: This variant was observed in the ICSL laboratory as part of a predisposition screen in an ostensibly healthy population. It had not been previously curated by ICSL or reported in the Human Gene Mutation Database (HGMD: prior to June 1st, 2018), and was therefore a candidate for classification through an automated scoring system. Utilizing variant allele frequency, disease prevalence and penetrance estimates, and inheritance mode, an automated score was calculated to assess if this variant is too frequent to cause the disease. Based on the score and internal cut-off values, a variant classified as benign is not then subjected to further curation. The score for this variant resulted in a classification of benign for this disease.

NM_001031710.3(KLHL7):c.*35A>G

Gene: KLHL7 (kelch like family member 7; plus strand). Cytogenetic location: 7p15.3.
Variant type: single nucleotide variant.
Coding change: c.*35A>G on transcript NM_001031710.3 (MANE Select); 35 bases downstream of the stop codon, A replaced by G.
Molecular consequence: 3 prime UTR variant. On other transcripts: non-coding transcript variant (1).
Genome position (GRCh38, 1-based): chr7:23,174,333, A>G. VCF-style: chr7-23174333-A-G. GRCh37 (hg19) VCF-style: chr7-23213952-A-G.
Other names: c.*35A>G (NM_018846.5).
Identifiers: ClinVar variation 359803 (VCV000359803.5), dbSNP rs2286273, ClinGen allele CA4186680.